The following is an entry in ClinVar:

ClinVar aggregate classification (germline): Uncertain significance (1 of 4 stars; one submission).

Allele frequency attached by ClinVar (database versions not stated): TOPMed below 0.00001; gnomAD 0.00001.
gnomAD v4.1: 1 of 1,601,390 alleles (0.000062%); highest among the groups gnomAD compares: Admixed American, 0.0017%; no homozygotes.

Submission:

Labcorp Genetics (formerly Invitae), Labcorp
Classification: Uncertain significance. Last evaluated: 2024-07-29. Review status: criteria provided, single submitter. Criteria: Invitae Variant Classification Sherloc (09022015). Collection method: clinical testing. Allele origin: germline.
Comment: This sequence change replaces glutamine, which is neutral and polar, with leucine, which is neutral and non-polar, at codon 1945 of the CACNA1B protein (p.Gln1945Leu). This variant is present in population databases (no rsID available, gnomAD 0.1%). This variant has not been reported in the literature in individuals affected with CACNA1B-related conditions. ClinVar contains an entry for this variant (Variation ID: 1362822). Advanced modeling of protein sequence and biophysical properties (such as structural, functional, and spatial information, amino acid conservation, physicochemical variation, residue mobility, and thermodynamic stability) performed at Invitae indicates that this missense variant is not expected to disrupt CACNA1B protein function with a negative predictive value of 80%. In summary, the available evidence is currently insufficient to determine the role of this variant in disease. Therefore, it has been classified as a Variant of Uncertain Significance.

NM_000718.4(CACNA1B):c.5834A>T (p.Gln1945Leu)

Gene: CACNA1B (calcium voltage-gated channel subunit alpha1 B; plus strand). Cytogenetic location: 9q34.3.
Variant type: single nucleotide variant.
Coding change: c.5834A>T on transcript NM_000718.4 (MANE Select); coding-DNA position 5834, A replaced by T.
Protein change: p.Gln1945Leu; replaces glutamine 1945 with leucine.
Molecular consequence: missense variant.
Genome position (GRCh38, 1-based): chr9:138,118,002, A>T. VCF-style: chr9-138118002-A-T. GRCh37 (hg19) VCF-style: chr9-141012454-A-T.
Other names: c.5834A>T, p.Gln1945Leu (NM_001243812.2); short protein forms Q1945L.
Identifiers: ClinVar variation 1362822 (VCV001362822.6), dbSNP rs1263032468, ClinGen allele CA375819308.